The following is an entry in ClinVar:

ClinVar aggregate classification (germline): Uncertain significance. Review status: criteria provided, multiple submitters, no conflicts (2 of 4 stars). 2 submissions from 2 submitters: Uncertain significance (2). Last evaluated 2026-03-01.

Submissions (2):

CeGaT Center for Human Genetics Tuebingen
Classification: Uncertain significance. Last evaluated: 2026-03-01. Review status: criteria provided, single submitter. Criteria: CeGaT Center For Human Genetics Tuebingen Variant Classification Criteria Version 2. Collection method: clinical testing. Allele origin: germline. Affected: yes. Observed: 1 variant allele.

Women's Health and Genetics/Laboratory Corporation of America, LabCorp
Classification: Uncertain significance. Last evaluated: 2025-02-11. Review status: criteria provided, single submitter. Criteria: LabCorp Variant Classification Summary - May 2015. Collection method: clinical testing. Allele origin: germline.
Comment: Variant summary: POU4F1 c.778G>T (p.Asp260Tyr) results in a non-conservative amino acid change in the encoded protein sequence. Three of five in-silico tools predict a damaging effect of the variant on protein function. The frequency data for this variant in gnomAD is considered unreliable, as metrics indicate poor data quality at this position. To our knowledge, no occurrence of c.778G>T in individuals affected with Ataxia, Intention Tremor, And Hypotonia Syndrome, Childhood-Onset and no experimental evidence demonstrating its impact on protein function have been reported. No submitters have cited clinical-significance assessments for this variant to ClinVar. Based on the evidence outlined above, the variant was classified as uncertain significance.

NM_006237.4(POU4F1):c.778G>T (p.Asp260Tyr)

Genes: OBI1-AS1 (OBI1 antisense RNA 1; plus strand), POU4F1 (POU class 4 homeobox 1; minus strand). Cytogenetic location: 13q31.1.
Variant type: single nucleotide variant.
Coding change: c.778G>T on transcript NM_006237.4 (MANE Select); coding-DNA position 778, G replaced by T.
Protein change: p.Asp260Tyr; replaces aspartic acid 260 with tyrosine.
Molecular consequence: missense variant.
Genome position (GRCh38, 1-based): chr13:78,601,897, C>A on the plus strand (G>T on the coding strand, the complement: POU4F1 is on the minus strand). VCF-style: chr13-78601897-C-A. GRCh37 (hg19) VCF-style: chr13-79176032-C-A.
Other names: short protein forms D260Y.
Identifiers: ClinVar variation 3768591 (VCV003768591.5).